The following is an entry in ClinVar:

NM_000059.4(BRCA2):c.4117dup (p.Met1373fs)

Gene: BRCA2 (BRCA2 DNA repair associated; plus strand). Cytogenetic location: 13q13.1.
Variant type: Duplication.
Coding change: c.4117dup on transcript NM_000059.4 (MANE Select); coding-DNA position 4117, one base duplicated (A; older notation c.4117dupA).
Protein change: p.Met1373fs; shifts the reading frame from methionine 1373.
Molecular consequence: frameshift variant.
Genome position (GRCh38, 1-based): chr13:32,338,472, A duplicated. VCF-style (leftmost placement, unchanged base first): chr13-32338471-T-TA. GRCh37 (hg19) VCF-style: chr13-32912608-T-TA.
Other names: c.4117dupA (NM_000059.3); short protein forms M1373fs.
Identifiers: ClinVar variation 531205 (VCV000531205.9), dbSNP rs1555283571, ClinGen allele CA658798081.

ClinVar aggregate classification (germline): Pathogenic/Likely pathogenic. Review status: criteria provided, multiple submitters, no conflicts (2 of 4 stars). 3 submissions from 3 submitters: Pathogenic (2); Likely pathogenic (1). Last evaluated 2026-05-27.

Conditions:
Hereditary cancer-predisposing syndrome. Also called: Tumor predisposition; Hereditary neoplastic syndrome; Neoplastic Syndromes, Hereditary; Hereditary Cancer Syndrome. Identifiers: Orphanet 140162, MedGen C0027672, MeSH D009386, MONDO:0015356.
Familial cancer of breast. Also called: hereditary breast carcinoma; Hereditary breast cancer; BREAST CANCER, FAMILIAL. Identifiers: Orphanet 227535, MedGen C0346153, MONDO:0016419, OMIM 114480. Disease mechanism: loss of function.
Hereditary breast ovarian cancer syndrome. Also called: BRCA1- and BRCA2-Associated Hereditary Breast and Ovarian Cancer; Hereditary breast and/or ovarian cancer syndrome; Hereditary breast and ovarian cancer; Hereditary breast and ovarian cancer syndrome (HBOC); Breast and ovarian cancer; Hereditary breast and ovarian cancer syndrome. Identifiers: Orphanet 145, MedGen C0677776, MeSH D061325, MONDO:0003582. Disease mechanism: loss of function.

Submissions (3):

Ambry Genetics
Classification: Pathogenic for Hereditary cancer-predisposing syndrome. Last evaluated: 2026-05-27. Review status: criteria provided, single submitter. Criteria: Ambry Variant Classification Scheme 2023. Collection method: clinical testing. Allele origin: germline.
Comment: The c.4117dupA pathogenic mutation, located in coding exon 10 of the BRCA2 gene, results from a duplication of A at nucleotide position 4117, causing a translational frameshift with a predicted alternate stop codon (p.M1373Nfs*9). This variant is considered to be rare based on population cohorts in the Genome Aggregation Database (gnomAD). This alteration is expected to result in loss of function by premature protein truncation or nonsense-mediated mRNA decay. As such, this alteration is interpreted as a disease-causing mutation.

Baylor Genetics
Classification: Likely pathogenic for Familial cancer of breast. Last evaluated: 2022-11-17. Review status: criteria provided, single submitter. Criteria: ACMG Guidelines, 2015. Collection method: clinical testing. Allele origin: unknown.

Labcorp Genetics (formerly Invitae), Labcorp
Classification: Pathogenic for Hereditary breast ovarian cancer syndrome. Last evaluated: 2021-10-13. Review status: criteria provided, single submitter. Criteria: Invitae Variant Classification Sherloc (09022015). Collection method: clinical testing. Allele origin: germline.
Comment: This variant has not been reported in the literature in individuals with BRCA2-related disease. For these reasons, this variant has been classified as Pathogenic. Loss-of-function variants in BRCA2 are known to be pathogenic (PMID: 20104584). This variant is not present in population databases (ExAC no frequency). This sequence change creates a premature translational stop signal (p.Met1373Asnfs*9) in the BRCA2 gene. It is expected to result in an absent or disrupted protein product.

Literature cited by the submitters: PubMed 20104584 (cited by Labcorp Genetics (formerly Invitae), Labcorp).